The following is an entry in ClinVar:

ClinVar aggregate classification (germline): Uncertain significance (1 of 4 stars; one submission).

Conditions:
Inborn genetic diseases. Identifiers: MedGen C0950123, MeSH D030342.

Submission:

Ambry Genetics
Classification: Uncertain significance for Inborn genetic diseases. Last evaluated: 2025-05-11. Review status: criteria provided, single submitter. Criteria: Ambry Variant Classification Scheme 2023. Collection method: clinical testing. Allele origin: germline.
Comment: The p.E728D variant (also known as c.2184A>T), located in coding exon 13 of the ASXL1 gene, results from an A to T substitution at nucleotide position 2184. The glutamic acid at codon 728 is replaced by aspartic acid, an amino acid with highly similar properties. This amino acid position is conserved. In addition, this alteration is predicted to be tolerated by in silico analysis. Based on the available evidence, the clinical significance of this variant remains unclear.

NM_015338.6(ASXL1):c.2184A>T (p.Glu728Asp)

Gene: ASXL1 (ASXL transcriptional regulator 1; plus strand). Cytogenetic location: 20q11.21.
Variant type: single nucleotide variant.
Coding change: c.2184A>T on transcript NM_015338.6 (MANE Select); coding-DNA position 2184, A replaced by T.
Protein change: p.Glu728Asp; replaces glutamic acid 728 with aspartic acid.
Molecular consequence: missense variant.
Genome position (GRCh38, 1-based): chr20:32,434,896, A>T. VCF-style: chr20-32434896-A-T. GRCh37 (hg19) VCF-style: chr20-31022699-A-T.
Other names: c.2001A>T, p.Glu667Asp (NM_001363734.1); short protein forms E728D, E667D.
Identifiers: ClinVar variation 3956862 (VCV003956862.1).